The following is an entry in ClinVar:

ClinVar aggregate classification (germline): Conflicting classifications of pathogenicity. Review status: criteria provided, conflicting classifications (1 of 4 stars). 5 submissions from 5 submitters: Likely pathogenic (1); Uncertain significance (2). 2 of the submissions do not count toward it. Last evaluated 2025-09-09.

Conditions:
Inborn genetic diseases. Identifiers: MedGen C0950123, MeSH D030342.
3-methylglutaconic aciduria, type VIIB (MGCA7B). Also called: CLPB Deficiency; 3-methylglutaconic aciduria, type VII, with cataracts, neurologic involvement and neutropenia; 3-methylglutaconic aciduria with cataracts, neurologic involvement and neutropenia. Identifiers: Orphanet 445038, MedGen C5676893, MONDO:0014561, OMIM 616271.

Allele frequency attached by ClinVar (database versions not stated): gnomAD 0.00001; gnomAD exomes 0.00001 and 0.00003; TOPMed 0.00002.
gnomAD v4.1: 45 of 1,614,058 alleles (0.0028%); highest among the groups gnomAD compares: Non-Finnish European, 0.0037%; no homozygotes.

Submissions (5):

Labcorp Genetics (formerly Invitae), Labcorp
Classification: Uncertain significance for 3-methylglutaconic aciduria, type VIIB. Last evaluated: 2025-09-09. Review status: criteria provided, single submitter. Criteria: Invitae Variant Classification Sherloc (09022015). Collection method: clinical testing. Allele origin: germline.
Comment: This sequence change replaces methionine, which is neutral and non-polar, with isoleucine, which is neutral and non-polar, at codon 411 of the CLPB protein (p.Met411Ile). This variant is present in population databases (rs786205137, gnomAD 0.002%). This missense change has been observed in individual(s) with clinical features of mild 3-methylglutaconic aciduria (PMID: 25597510). It has also been observed to segregate with disease in related individuals. ClinVar contains an entry for this variant (Variation ID: 187783). An algorithm developed to predict the effect of missense changes on protein structure and function (PolyPhen-2) suggests that this variant is likely to be disruptive. Experimental studies have shown that this missense change affects CLPB function (PMID: 25597510). In summary, the available evidence is currently insufficient to determine the role of this variant in disease. Therefore, it has been classified as a Variant of Uncertain Significance.

GeneDx
Classification: Likely pathogenic. Last evaluated: 2023-06-08. Review status: criteria provided, single submitter. Criteria: GeneDx Variant Classification Process June 2021. Collection method: clinical testing. Allele origin: germline. Affected: yes.
Comment: Identified in a family with cataracts and neutropenia who also carried a second variant in CLPB. Parental studies were not conducted to determine if these variants were on the same (in cis) or opposite (in trans) alleles (Wortmann et al., 2015); Published functional studies suggest a damaging effect on enzymatic activity (Wortmann et al., 2015); In silico analysis supports that this missense variant has a deleterious effect on protein structure/function; Not observed at a significant frequency in large population cohorts (gnomAD); This variant is associated with the following publications: (PMID: 27137937, 25597510, 28687938, 27891836)

Ambry Genetics
Classification: Uncertain significance for Inborn genetic diseases. Last evaluated: 2022-01-21. Review status: criteria provided, single submitter. Criteria: Ambry Variant Classification Scheme 2023. Collection method: clinical testing. Allele origin: germline.
Comment: The c.1233G>A (p.M411I) alteration is located in exon 11 (coding exon 11) of the CLPB gene. This alteration results from a G to A substitution at nucleotide position 1233, causing the methionine (M) at amino acid position 411 to be replaced by an isoleucine (I). Based on data from gnomAD, the A allele has an overall frequency of <0.01% (2/251286) total alleles studied. The highest observed frequency was <0.01% (2/113598) of European (non-Finnish) alleles. This alteration has been reported in two affected siblings with elevated urinary excretion of 3-methylglutaconic acid, neutropenia, and cataracts (Wortmann, 2015). Another variant, p.Y617C, in CLPB was found in both patients; however, their parents were not tested to confirm if the variants were in cis or in trans. Functional studies using zebrafish showed that this alteration does not lead to changes in the integrity of the cerebellum in zebrafish embryos compared to wildtype; an in vitro assay showed that ATPase activity for this alteration was significantly decreased (Wortmann, 2015). The in silico prediction for this alteration is inconclusive. Based on insufficient or conflicting evidence, the clinical significance of this alteration remains unclear.

OMIM
Classification: Pathogenic for 3-METHYLGLUTACONIC ACIDURIA, TYPE VIIB. Last evaluated: 2015-02-05. Review status: no assertion criteria provided. Collection method: literature only. Allele origin: germline. Not counted in ClinVar's aggregate classification.

GeneReviews
No classification provided. Condition: 3-methylglutaconic aciduria, type VIIB. Review status: no classification provided. Collection method: literature only. Allele origin: germline. Affected: yes. Not counted in ClinVar's aggregate classification.

Literature cited by the submitters: PubMed 25597510 (cited by 4 submitters); NCBI Bookshelf NBK396257 (cited by GeneReviews).

NM_001258392.3(CLPB):c.1143G>A (p.Met381Ile)

Genes: CLPB (ClpB family mitochondrial disaggregase; minus strand), LOC126861258 (MED14-independent group 3 enhancer GRCh37_chr11:72012242-72013441; plus strand). Cytogenetic location: 11q13.4.
Variant type: single nucleotide variant.
Coding change: c.1143G>A on transcript NM_001258392.3 (MANE Select); coding-DNA position 1143, G replaced by A.
Protein change: p.Met381Ile; replaces methionine 381 with isoleucine.
Molecular consequence: missense variant.
Genome position (GRCh38, 1-based): chr11:72,302,328, C>T on the plus strand (G>A on the coding strand, the complement: CLPB is on the minus strand). VCF-style: chr11-72302328-C-T. GRCh37 (hg19) VCF-style: chr11-72013372-C-T.
Other names: c.1233G>A (NM_030813.3); c.1056G>A, p.Met352Ile (NM_001258393.3); c.1098G>A, p.Met366Ile (NM_001258394.3); c.1233G>A, p.Met411Ile (NM_030813.6); short protein forms M411I, M381I, M352I, M366I.
Identifiers: ClinVar variation 187783 (VCV000187783.19), dbSNP rs786205137, ClinGen allele CA198524.